The following is an entry in ClinVar:

ClinVar aggregate classification (germline): Uncertain significance (1 of 4 stars; one submission).

Submission:

GeneDx
Classification: Uncertain significance. Last evaluated: 2026-01-23. Review status: criteria provided, single submitter. Criteria: GeneDx Variant Classification Process June 2021. Collection method: clinical testing. Allele origin: germline.
Comment: Not observed at significant frequency in large population cohorts (gnomAD); In silico analysis supports that this missense variant has a deleterious effect on protein structure/function; Has not been previously published as pathogenic or benign to our knowledge

NM_005559.4(LAMA1):c.141G>T (p.Glu47Asp)

Gene: LAMA1 (laminin subunit alpha 1; minus strand). Cytogenetic location: 18p11.31.
Variant type: single nucleotide variant.
Coding change: c.141G>T on transcript NM_005559.4 (MANE Select); coding-DNA position 141, G replaced by T.
Protein change: p.Glu47Asp; replaces glutamic acid 47 with aspartic acid.
Molecular consequence: missense variant.
Genome position (GRCh38, 1-based): chr18:7,080,378, C>A on the plus strand (G>T on the coding strand, the complement: LAMA1 is on the minus strand). VCF-style: chr18-7080378-C-A. GRCh37 (hg19) VCF-style: chr18-7080377-C-A.
Other names: short protein forms E47D.
Identifiers: ClinVar variation 3766265 (VCV003766265.2).